The following is an entry in ClinVar:

NM_001134831.2(AHI1):c.2163G>T (p.Met721Ile)

Gene: AHI1 (Abelson helper integration site 1; minus strand). Cytogenetic location: 6q23.3.
Variant type: single nucleotide variant.
Coding change: c.2163G>T on transcript NM_001134831.2 (MANE Select); coding-DNA position 2163, G replaced by T.
Protein change: p.Met721Ile; replaces methionine 721 with isoleucine.
Molecular consequence: missense variant.
Genome position (GRCh38, 1-based): chr6:135,433,130, C>A on the plus strand (G>T on the coding strand, the complement: AHI1 is on the minus strand). VCF-style: chr6-135433130-C-A. GRCh37 (hg19) VCF-style: chr6-135754268-C-A.
Other names: c.2163G>T, p.Met721Ile (NM_001134830.2, NM_001134832.2, NM_001350503.2 and 2 more transcripts); short protein forms M721I.
Identifiers: ClinVar variation 3359286 (VCV003359286.1).

ClinVar aggregate classification (germline): Uncertain significance (1 of 4 stars; one submission).

Submission:

GeneDx
Classification: Uncertain significance. Last evaluated: 2023-06-08. Review status: criteria provided, single submitter. Criteria: GeneDx Variant Classification Process June 2021. Collection method: clinical testing. Allele origin: germline. Affected: yes.
Comment: Not observed at significant frequency in large population cohorts (gnomAD); In silico analysis supports that this missense variant does not alter protein structure/function; Has not been previously published as pathogenic or benign to our knowledge; This variant is associated with the following publications: (PMID: 15467982)